The following is an entry in ClinVar:

ClinVar aggregate classification (germline): Uncertain significance. Review status: criteria provided, single submitter (1 of 4 stars). 2 submissions from 2 submitters: Uncertain significance (1). 1 of the submissions does not count toward it. Last evaluated 2019-05-08.

Conditions:
BRAF-related disorder. Also called: BRAF-related condition.

Allele frequency attached by ClinVar (database versions not stated): gnomAD exomes below 0.00001; ExAC 0.00001; gnomAD 0.00001; TOPMed 0.00001; ESP Exome Variant Server 0.00008.
gnomAD v4.1: 1 of 1,610,970 alleles (0.000062%); highest among the groups gnomAD compares: African/African-American, 0.0013%; no homozygotes.

Submissions (2):

GeneDx
Classification: Uncertain significance. Last evaluated: 2019-05-08. Review status: criteria provided, single submitter. Criteria: GeneDx Variant Classification Process June 2021. Collection method: clinical testing. Allele origin: germline. Affected: yes.
Comment: Not observed in large population cohorts (Lek et al., 2016); The majority of missense variants in this gene are considered pathogenic (Stenson et al., 2014); In silico analysis, which includes protein predictors and evolutionary conservation, supports that this variant does not alter protein structure/function; Has not been previously published as pathogenic or benign to our knowledge

PreventionGenetics, part of Exact Sciences
Classification: Uncertain significance for BRAF-related condition. Last evaluated: 2024-01-12. Review status: no assertion criteria provided. Collection method: clinical testing. Allele origin: germline. Not counted in ClinVar's aggregate classification.
Comment: The BRAF c.712G>A variant is predicted to result in the amino acid substitution p.Val238Ile. This variant was maternally inherited in an individual with idiopathic short stature (Table 1, Andrade et al. 2022. PubMed ID: 36373817). This variant is reported in 1 of ~246,000 alleles in individuals in gnomAD. At this time, the clinical significance of this variant is uncertain due to the absence of conclusive functional and genetic evidence.

NM_004333.6(BRAF):c.712G>A (p.Val238Ile)

Gene: BRAF (B-Raf proto-oncogene, serine/threonine kinase; minus strand). Cytogenetic location: 7q34.
Variant type: single nucleotide variant.
Coding change: c.712G>A on transcript NM_004333.6 (MANE Select); coding-DNA position 712, G replaced by A.
Protein change: p.Val238Ile; replaces valine 238 with isoleucine.
Molecular consequence: missense variant.
Genome position (GRCh38, 1-based): chr7:140,801,560, C>T on the plus strand (G>A on the coding strand, the complement: BRAF is on the minus strand). VCF-style: chr7-140801560-C-T. GRCh37 (hg19) VCF-style: chr7-140501360-C-T.
Other names: c.712G>A, p.Val238Ile (NM_001354609.2, NM_001374244.1, NM_001374258.1 and 4 more transcripts); c.721G>A, p.Val241Ile (NM_001378467.1); c.610G>A, p.Val204Ile (NM_001378470.1); c.556G>A, p.Val186Ile (NM_001378472.1, NM_001378473.1); c.448G>A, p.Val150Ile (NM_001378475.1); short protein forms V150I, V186I, V204I, V238I, V241I.
Identifiers: ClinVar variation 1321022 (VCV001321022.4), dbSNP rs373935661, ClinGen allele CA4516900.